The following is an entry in ClinVar:

ClinVar aggregate classification (germline): Likely benign. Review status: criteria provided, multiple submitters, no conflicts (2 of 4 stars). 2 submissions from 2 submitters: Likely benign (2). Last evaluated 2024-12-21.

Allele frequency attached by ClinVar (database versions not stated): gnomAD 0.00001; gnomAD exomes 0.00001 and 0.00002; TOPMed 0.00001; ExAC 0.00002.

Submissions (2):

Labcorp Genetics (formerly Invitae), Labcorp
Classification: Likely benign. Last evaluated: 2024-12-21. Review status: criteria provided, single submitter. Criteria: Invitae Variant Classification Sherloc (09022015). Collection method: clinical testing. Allele origin: germline.

GeneDx
Classification: Likely benign. Last evaluated: 2017-10-27. Review status: criteria provided, single submitter. Criteria: GeneDx Variant Classification (06012015). Collection method: clinical testing. Allele origin: germline. Affected: yes.
Comment: This variant is considered likely benign or benign based on one or more of the following criteria: it is a conservative change, it occurs at a poorly conserved position in the protein, it is predicted to be benign by multiple in silico algorithms, and/or has population frequency not consistent with disease.

NM_080680.3(COL11A2):c.232+19G>A

Gene: COL11A2 (collagen type XI alpha 2 chain; minus strand). Cytogenetic location: 6p21.32.
Variant type: single nucleotide variant.
Coding change: c.232+19G>A on transcript NM_080680.3 (MANE Select); 19 bases into the intron after coding-DNA position 232, G replaced by A.
Molecular consequence: intron variant.
Genome position (GRCh38, 1-based): chr6:33,189,301, C>T on the plus strand (G>A on the coding strand, the complement: COL11A2 is on the minus strand). VCF-style: chr6-33189301-C-T. GRCh37 (hg19) VCF-style: chr6-33157078-C-T.
Other names: c.232+19G>A (NM_080679.3, NM_080681.3, NM_001163771.2).
Identifiers: ClinVar variation 512933 (VCV000512933.9), dbSNP rs766263650, ClinGen allele CA3751730.